The following is an entry in ClinVar:

NM_005343.4(HRAS):c.139G>A (p.Asp47Asn)

Genes: HRAS (HRas proto-oncogene, GTPase; minus strand), LRRC56 (leucine rich repeat containing 56; plus strand). Cytogenetic location: 11p15.5.
Variant type: single nucleotide variant.
Coding change: c.139G>A on transcript NM_005343.4 (MANE Select); coding-DNA position 139, G replaced by A.
Protein change: p.Asp47Asn; replaces aspartic acid 47 with asparagine.
Molecular consequence: missense variant. On other transcripts: 5 prime UTR variant (1).
Genome position (GRCh38, 1-based): chr11:533,917, C>T on the plus strand (G>A on the coding strand, the complement: HRAS is on the minus strand). VCF-style: chr11-533917-C-T. GRCh37 (hg19) VCF-style: chr11-533917-C-T.
Other names: c.139G>A, p.Asp47Asn (NM_001130442.3, NM_176795.5); c.-181G>A (NM_001318054.2); short protein forms D47N.
Identifiers: ClinVar variation 3623798 (VCV003623798.2).

ClinVar aggregate classification (germline): Uncertain significance (1 of 4 stars; one submission).

Conditions:
Costello syndrome (CSTLO). Also called: FACIOCUTANEOSKELETAL SYNDROME; FCS SYNDROME; HRAS-Related Costello Syndrome. Identifiers: Orphanet 3071, MedGen C0587248, MONDO:0009026, OMIM 218040.

Submission:

Labcorp Genetics (formerly Invitae), Labcorp
Classification: Uncertain significance for Costello syndrome. Last evaluated: 2024-08-29. Review status: criteria provided, single submitter. Criteria: Invitae Variant Classification Sherloc (09022015). Collection method: clinical testing. Allele origin: germline.
Comment: This sequence change replaces aspartic acid, which is acidic and polar, with asparagine, which is neutral and polar, at codon 47 of the HRAS protein (p.Asp47Asn). This variant is not present in population databases (gnomAD no frequency). This variant has not been reported in the literature in individuals affected with HRAS-related conditions. An algorithm developed to predict the effect of missense changes on protein structure and function (PolyPhen-2) suggests that this variant is likely to be disruptive. In summary, the available evidence is currently insufficient to determine the role of this variant in disease. Therefore, it has been classified as a Variant of Uncertain Significance.